The following is an entry in ClinVar:

ClinVar aggregate classification (germline): Conflicting classifications of pathogenicity. Review status: criteria provided, conflicting classifications (1 of 4 stars). 2 submissions from 2 submitters: Likely pathogenic (1); Uncertain significance (1). Last evaluated 2024-04-29.

Allele frequency attached by ClinVar (database versions not stated): gnomAD exomes below 0.00001 and 0.00001; ExAC 0.00003; gnomAD 0.00006 and 0.00007; ESP Exome Variant Server 0.00023.
gnomAD v4.1: 13 of 1,613,842 alleles (0.00081%); highest among the groups gnomAD compares: African/African-American, 0.016%; no homozygotes.

Submissions (2):

Ambry Genetics
Classification: Uncertain significance. Last evaluated: 2024-04-29. Review status: criteria provided, single submitter. Criteria: Ambry Variant Classification Scheme 2023. Collection method: clinical testing. Allele origin: germline.
Comment: Does not currently meet published gene-disease clinical validity criteria Based on insufficient or conflicting evidence, the clinical significance of this alteration remains unclear.

AiLife Diagnostics
Classification: Likely pathogenic. Last evaluated: 2022-03-01. Review status: criteria provided, single submitter. Criteria: ACMG Guidelines, 2015. Collection method: clinical testing. Allele origin: germline. Affected: yes. Observed: 1 variant allele.

Literature cited by the submitters: PubMed 28106320 (cited by Ambry Genetics).

NM_032607.3(CREB3L3):c.27+2T>C

Gene: CREB3L3 (cAMP responsive element binding protein 3 like 3; plus strand). Cytogenetic location: 19p13.3.
Variant type: single nucleotide variant.
Coding change: c.27+2T>C on transcript NM_032607.3 (MANE Select); the canonical splice donor site of the intron after coding-DNA position 27, T replaced by C.
Molecular consequence: splice donor variant.
Genome position (GRCh38, 1-based): chr19:4,153,776, T>C. VCF-style: chr19-4153776-T-C. GRCh37 (hg19) VCF-style: chr19-4153773-T-C.
Other names: c.27+2T>C (NM_001271997.2, NM_001271996.2, NM_001271995.2 and 1 more transcripts).
Identifiers: ClinVar variation 1678173 (VCV001678173.2), dbSNP rs141354235, ClinGen allele CA9091149.